The following is an entry in ClinVar:

ClinVar aggregate classification (germline): drug response. Review status: reviewed by expert panel (3 of 4 stars). 8 submissions from 7 submitters: drug response (2). 6 of the submissions do not count toward it. Last evaluated 2022-10-27.

Conditions:
Dihydropyrimidine dehydrogenase deficiency (DPYDD). Also called: Hereditary Thymine-Uraciluria; DPD DEFICIENCY; DPYD DEFICIENCY. Identifiers: Orphanet 1675, MedGen C1959620, MONDO:0010130, OMIM 274270.
capecitabine response - Toxicity.
fluorouracil response - Toxicity.

Allele frequency attached by ClinVar (database versions not stated): 1000 Genomes Project 30x 0.00812; 1000 Genomes Project 0.00958; TOPMed 0.01201; gnomAD 0.01297 and 0.01305; gnomAD exomes 0.01411; ExAC 0.01535; ESP Exome Variant Server 0.01569.
gnomAD v4.1: 30,300 of 1,613,680 alleles (1.9%); highest among the groups gnomAD compares: Non-Finnish European, 2.2%; 358 homozygotes.

Submissions (8):

ClinPGx
Classification: drug response for fluorouracil response - Toxicity. Last evaluated: 2022-10-27. Review status: reviewed by expert panel. Criteria: Pharmacogenomics knowledge for personalized medicine. Collection method: curation. Allele origin: germline. Affected: yes.
Comment: PharmGKB Level of Evidence 1A: Level 1A clinical annotations describe variant-drug combinations that have variant-specific prescribing guidance available in a current clinical guideline annotation or an FDA-approved drug label annotation. Annotations of drug labels or clinical guidelines must give prescribing guidance for specific variants (e.g. CYP2C9*3, HLA-B*57:01) or provide mapping from defined allele functions to diplotypes and phenotypes to be used as supporting evidence for a level 1A clinical annotation. Level 1A clinical annotations must also be supported by at least one publication in addition to a clinical guideline or drug label with variant-specific prescribing guidance.

Drug is not necessarily used to treat response condition

ClinPGx
Classification: drug response for capecitabine response - Toxicity. Last evaluated: 2022-10-26. Review status: reviewed by expert panel. Criteria: Pharmacogenomics knowledge for personalized medicine. Collection method: curation. Allele origin: germline. Affected: yes.
Comment: the same text as in the submission from ClinPGx above.

CeGaT Center for Human Genetics Tuebingen
Classification: Benign. Last evaluated: 2026-09-01. Review status: criteria provided, single submitter. Criteria: CeGaT Center For Human Genetics Tuebingen Variant Classification Criteria Version 2. Collection method: clinical testing. Allele origin: germline. Affected: yes. Observed: 29 variant alleles. Not counted in ClinVar's aggregate classification.
Comment: DPYD: BP4, BP7, BS1, BS2

Women's Health and Genetics/Laboratory Corporation of America, LabCorp
Classification: Benign. Last evaluated: 2018-02-19. Review status: criteria provided, single submitter. Criteria: LabCorp Variant Classification Summary - May 2015. Collection method: clinical testing. Allele origin: germline. Not counted in ClinVar's aggregate classification.
Comment: Variant summary: DPYD c.1236G>A alters a non-conserved nucleotide resulting in a synonymous change. 5/5 computational tools predict no significant impact on normal splicing. However, these predictions have yet to be confirmed by functional studies. The variant allele was found at a frequency of 0.014 in 276814 control chromosomes in the gnomAD database, including 39 homozygotes. The observed variant frequency is approximately 5.66 fold of the estimated maximal expected allele frequency for a pathogenic variant in DPYD causing Dihydropyrimidine Dehydrogenase Deficiency phenotype (0.0025), strongly suggesting that the variant is benign. To our knowledge, no occurrence of c.1236G>A in individuals affected with Dihydropyrimidine Dehydrogenase Deficiency and no experimental evidence demonstrating its impact on protein function have been reported. One other clinical diagnostic laboratory classified this variant as benign via ClinVar. Based on the evidence outlined above, the variant was classified as benign.

Athena Diagnostics
Classification: Benign. Last evaluated: 2017-12-21. Review status: criteria provided, single submitter. Criteria: Athena Diagnostics Criteria. Collection method: clinical testing. Allele origin: germline. Not counted in ClinVar's aggregate classification.

Illumina Laboratory Services, Illumina
Classification: Likely benign for Dihydropyrimidine dehydrogenase deficiency. Last evaluated: 2017-04-27. Review status: criteria provided, single submitter. Criteria: ICSL Variant Classification Criteria 13 December 2019. Collection method: clinical testing. Allele origin: germline. Not counted in ClinVar's aggregate classification.
Comment: This variant was observed as part of a predisposition screen in an ostensibly healthy population. A literature search was performed for the gene, cDNA change, and amino acid change (where applicable). No publications were found based on this search. Allele frequency data from public databases allowed determination this variant is unlikely to cause disease. Therefore, this variant is classified as likely benign.

PreventionGenetics, part of Exact Sciences
Classification: Benign. Review status: criteria provided, single submitter. Criteria: ACMG Guidelines, 2015. Collection method: clinical testing. Allele origin: germline. Not counted in ClinVar's aggregate classification.

Diasio Lab,  Mayo Clinic
No classification provided. Review status: no classification provided. Collection method: not provided. Allele origin: unknown. Not counted in ClinVar's aggregate classification.

Literature cited by the submitters: PubMed 18299612 (cited by ClinPGx); PubMed 19473056 (cited by ClinPGx); PubMed 19530960 (cited by ClinPGx); PubMed 20803296 (cited by ClinPGx and Athena Diagnostics); PubMed 24167597 (cited by ClinPGx); PubMed 24923815 (cited by ClinPGx); PubMed 26603945 (cited by ClinPGx); PubMed 30485432 (cited by ClinPGx); PubMed 21498394 (cited by ClinPGx and Athena Diagnostics); PubMed 24590654 (cited by ClinPGx); PubMed 24647007 (cited by ClinPGx); PubMed 27995989 (cited by ClinPGx); PubMed 28481884 (cited by ClinPGx and Athena Diagnostics); PubMed 33410339 (cited by ClinPGx); PubMed 26265346 (cited by Athena Diagnostics); PubMed 26804235 (cited by Athena Diagnostics); PubMed 29152729 (cited by Athena Diagnostics); PubMed 18937829 (cited by Athena Diagnostics); PubMed 23517808 (cited by Athena Diagnostics); PubMed 16115930 (cited by Athena Diagnostics); PubMed 21833589 (cited by Athena Diagnostics); PubMed 25117664 (cited by Athena Diagnostics); PubMed 27248859 (cited by Athena Diagnostics); PubMed 21878539 (cited by Athena Diagnostics); PubMed 29045550 (cited by Athena Diagnostics); PubMed 28929491 (cited by Athena Diagnostics); PubMed 24310106 (cited by Athena Diagnostics); PubMed 26658227 (cited by Athena Diagnostics); PubMed 17905396 (cited by Athena Diagnostics); PubMed 27454530 (cited by Athena Diagnostics); PubMed 19288105 (cited by Athena Diagnostics); PubMed 29236957 (cited by Athena Diagnostics); PubMed 28112993 (cited by Athena Diagnostics).

NM_000110.4(DPYD):c.1236G>A (p.Glu412=)

Gene: DPYD (dihydropyrimidine dehydrogenase; minus strand). Cytogenetic location: 1p21.3.
Variant type: single nucleotide variant.
Coding change: c.1236G>A on transcript NM_000110.4 (MANE Select); coding-DNA position 1236, G replaced by A.
Protein change: p.Glu412=; no amino-acid change (glutamic acid 412 retained).
Molecular consequence: synonymous variant.
Genome position (GRCh38, 1-based): chr1:97,573,863, C>T on the plus strand (G>A on the coding strand, the complement: DPYD is on the minus strand). VCF-style: chr1-97573863-C-T. GRCh37 (hg19) VCF-style: chr1-98039419-C-T.
Identifiers: ClinVar variation 100100 (VCV000100100.34), dbSNP rs56038477, ClinGen allele CA228138.
Genomic context (GRCh38, chr1:97,573,863, plus strand): 5'-ATCGGCTTTCAGATGGACCATCTGATCTTCATCTTCATTCCATTTTCCAGTTTCATCTTG[C>T]TCTGTCCGAACAAACTGCATAGCAACAATTCTCCCACCTTTTACTATAACCTTCCGTGGG-3'
Protein context (NP_000101.2, residues 402-422): RIVAMQFVRT[Glu412=]QDETGKWNED